The following is an entry in ClinVar:

NM_000632.4(ITGAM):c.1663T>G (p.Phe555Val)

Gene: ITGAM (integrin subunit alpha M; plus strand). Cytogenetic location: 16p11.2.
Variant type: single nucleotide variant.
Coding change: c.1663T>G on transcript NM_000632.4 (MANE Select); coding-DNA position 1663, T replaced by G.
Protein change: p.Phe555Val; replaces phenylalanine 555 with valine.
Molecular consequence: missense variant.
Genome position (GRCh38, 1-based): chr16:31,297,910, T>G. VCF-style: chr16-31297910-T-G. GRCh37 (hg19) VCF-style: chr16-31309231-T-G.
Other names: c.1666T>G, p.Phe556Val (NM_001145808.2); short protein forms F555V, F556V.
Identifiers: ClinVar variation 4717289 (VCV004717289.1).

ClinVar aggregate classification (germline): Uncertain significance (1 of 4 stars; one submission).

Submission:

Labcorp Genetics (formerly Invitae), Labcorp
Classification: Uncertain significance. Last evaluated: 2025-04-19. Review status: criteria provided, single submitter. Criteria: Invitae Variant Classification Sherloc (09022015). Collection method: clinical testing. Allele origin: germline.
Comment: This sequence change replaces phenylalanine, which is neutral and non-polar, with valine, which is neutral and non-polar, at codon 555 of the ITGAM protein (p.Phe555Val). This variant is not present in population databases (gnomAD no frequency). This variant has not been reported in the literature in individuals affected with ITGAM-related conditions. An algorithm developed to predict the effect of missense changes on protein structure and function (PolyPhen-2) suggests that this variant is likely to be disruptive. In summary, the available evidence is currently insufficient to determine the role of this variant in disease. Therefore, it has been classified as a Variant of Uncertain Significance.